The following is an entry in ClinVar:

ClinVar aggregate classification (germline): Likely benign (1 of 4 stars; one submission).

Allele frequency attached by ClinVar (database versions not stated): TOPMed 0.00013; gnomAD exomes 0.00023; gnomAD 0.00024; ExAC 0.00034; ESP Exome Variant Server 0.00038.
gnomAD v4.1: 368 of 1,614,130 alleles (0.023%); highest among the groups gnomAD compares: Non-Finnish European, 0.027%; 1 homozygote.

Submission:

CeGaT Center for Human Genetics Tuebingen
Classification: Likely benign. Last evaluated: 2022-07-01. Review status: criteria provided, single submitter. Criteria: CeGaT Center For Human Genetics Tuebingen Variant Classification Criteria Version 2. Collection method: clinical testing. Allele origin: germline. Affected: yes. Observed: 1 variant allele.
Comment: UBN1: BP4, BP7

NM_001079514.3(UBN1):c.3111C>T (p.Ala1037=)

Gene: UBN1 (ubinuclein 1; plus strand). Cytogenetic location: 16p13.3.
Variant type: single nucleotide variant.
Coding change: c.3111C>T on transcript NM_001079514.3 (MANE Select); coding-DNA position 3111, C replaced by T.
Protein change: p.Ala1037=; no amino-acid change (alanine 1037 retained).
Molecular consequence: synonymous variant.
Genome position (GRCh38, 1-based): chr16:4,876,957, C>T. VCF-style: chr16-4876957-C-T. GRCh37 (hg19) VCF-style: chr16-4926958-C-T.
Other names: c.3111C>T, p.Ala1037= (NM_001288656.1).
Identifiers: ClinVar variation 2646161 (VCV002646161.24), dbSNP rs143113935, ClinGen allele CA7884943.
Genomic context (GRCh38, chr16:4,876,957, plus strand): 5'-GGCCGGCTCCTCTTTGATGGCTTCACCCTACAAATCCAGCAGCCCAAAGCTGTCTGGGGC[C>T]ATGAGCTCGAACTCCTTGGGAATTATAACCCCTGTCCCTATTCCTGTCCATGTGCTCTCC-3'
Protein context (NP_001072982.1, residues 1027-1047): YKSSSPKLSG[Ala1037=]MSSNSLGIIT